The following is an entry in ClinVar:

NM_002474.3(MYH11):c.408G>A (p.Glu136=)

Gene: MYH11 (myosin heavy chain 11; minus strand). Cytogenetic location: 16p13.11.
Variant type: single nucleotide variant.
Coding change: c.408G>A on transcript NM_002474.3 (MANE Select); coding-DNA position 408, G replaced by A.
Protein change: p.Glu136=; no amino-acid change (glutamic acid 136 retained).
Molecular consequence: synonymous variant.
Genome position (GRCh38, 1-based): chr16:15,823,349, C>T on the plus strand (G>A on the coding strand, the complement: MYH11 is on the minus strand). VCF-style: chr16-15823349-C-T. GRCh37 (hg19) VCF-style: chr16-15917206-C-T.
Other names: c.408G>A, p.Glu136= (NM_001040113.2, NM_001040114.2, NM_022844.3).
Identifiers: ClinVar variation 510780 (VCV000510780.3), dbSNP rs772043288, ClinGen allele CA7923053.
Genomic context (GRCh38, chr16:15,823,349, plus strand): 5'-GGCGTAGATGTGAGGCGGCATCTCGTGCCTCTTCTTGCCCTTGTACATGTCGACGATCTT[C>T]TCCGAGTAGATGGGCAGGTGTTTATAGGGGTTGACCACCACGCAGAAGAGGCCAGAGTAC-3'
Protein context (NP_002465.1, residues 126-146): NPYKHLPIYS[Glu136=]KIVDMYKGKK

ClinVar aggregate classification (germline): Likely benign. Review status: criteria provided, multiple submitters, no conflicts (2 of 4 stars). 2 submissions from 2 submitters: Likely benign (2). Last evaluated 2022-12-09.

Conditions:
Familial thoracic aortic aneurysm and aortic dissection (TAAD). Also called: Thoracic aortic aneurysms and dissections. Identifiers: Orphanet 91387, MedGen C4707243, MONDO:0019625.

Allele frequency attached by ClinVar (database versions not stated): ExAC 0.00001; gnomAD exomes 0.00001; TOPMed 0.00002.
gnomAD v4.1: 6 of 1,614,192 alleles (0.00037%); highest among the groups gnomAD compares: Non-Finnish European, 0.00051%; no homozygotes.

Submissions (2):

Color Diagnostics, LLC DBA Color Health
Classification: Likely benign for Familial thoracic aortic aneurysm and aortic dissection. Last evaluated: 2022-12-09. Review status: criteria provided, single submitter. Criteria: ACMG Guidelines, 2015. Collection method: clinical testing. Allele origin: germline.

GeneDx
Classification: Likely benign. Last evaluated: 2017-07-13. Review status: criteria provided, single submitter. Criteria: GeneDx Variant Classification (06012015). Collection method: clinical testing. Allele origin: germline. Affected: yes.
Comment: This variant is considered likely benign or benign based on one or more of the following criteria: it is a conservative change, it occurs at a poorly conserved position in the protein, it is predicted to be benign by multiple in silico algorithms, and/or has population frequency not consistent with disease.